The following is an entry in ClinVar:

NM_000137.4(FAH):c.82-1G>A

Gene: FAH (fumarylacetoacetate hydrolase; plus strand). Cytogenetic location: 15q25.1.
Variant type: single nucleotide variant.
Coding change: c.82-1G>A on transcript NM_000137.4 (MANE Select); the canonical splice acceptor site of the intron before coding-DNA position 82, G replaced by A.
Molecular consequence: splice acceptor variant.
Genome position (GRCh38, 1-based): chr15:80,158,059, G>A. VCF-style: chr15-80158059-G-A. GRCh37 (hg19) VCF-style: chr15-80450401-G-A.
Other names: c.82-1G>A (NM_001374377.1, NM_001374380.1).
Identifiers: ClinVar variation 551853 (VCV000551853.11), dbSNP rs1247460110, ClinGen allele CA393617213.

ClinVar aggregate classification (germline): Pathogenic/Likely pathogenic. Review status: criteria provided, multiple submitters, no conflicts (2 of 4 stars). 5 submissions from 5 submitters: Pathogenic (3); Likely pathogenic (1). 1 of the submissions does not count toward it. Last evaluated 2025-09-26.

Conditions:
FAH-related disorder. Also called: FAH-related condition.
Tyrosinemia type I (TYRSN1). Also called: HEPATORENAL TYROSINEMIA; FAH DEFICIENCY; Tyrosinemia type 1; Fumarylacetoacetase deficiency; Deficiency of fumarylacetoacetase. Identifiers: Orphanet 882, MedGen C0268490, MONDO:0010161, OMIM 276700. Disease mechanism: loss of function.

Submissions (5):

PreventionGenetics, part of Exact Sciences
Classification: Pathogenic for FAH-related condition. Last evaluated: 2025-09-26. Review status: criteria provided, single submitter. Criteria: ACMG Guidelines, 2015. Collection method: clinical testing. Allele origin: germline.
Comment: The FAH c.82-1G>A variant is predicted to disrupt the AG splice acceptor site and interfere with normal splicing. This variant, along with a second variant in FAH, was reported in an individual with tyrosinemia type 1 (Patient 1 in Pérez-Carro et al. 2014. PubMed ID: 23895425). This variant has not been reported in a large population database (gnomAD), indicating this variant is rare. Variants that disrupt the consensus splice acceptor site in FAH are expected to be pathogenic. This variant is interpreted as pathogenic.

Natera, Inc.
Classification: Pathogenic for Tyrosinemia type I. Last evaluated: 2024-06-25. Review status: criteria provided, single submitter. Criteria: Natera Variant Classification Schema (03/2026). Collection method: clinical testing. Allele origin: germline.
Comment: The c.82-1G>A variant in FAH is a canonical splice acceptor site variant predicted to affect pre-mRNA splicing, which may result in an abnormal transcript and altered protein product. This variant is expected to result in nonsense mediated decay, truncation, or a dysfunctional protein product. This variant is rare in the general population with a frequency below the threshold expected for the associated phenotype(s). This variant has been observed in one or more individuals affected with the associated recessive disease, as either homozygous or compound heterozygous with a second variant (PMID: 23895425). Functional studies show that this variant may disrupt protein function (PMID: 23895425). Given the available evidence, this variant is classified as Pathogenic.

Baylor Genetics
Classification: Pathogenic for Tyrosinemia type I. Last evaluated: 2023-07-05. Review status: criteria provided, single submitter. Criteria: ACMG Guidelines, 2015. Collection method: clinical testing. Allele origin: unknown.

Labcorp Genetics (formerly Invitae), Labcorp
Classification: Likely pathogenic for Tyrosinemia type I. Last evaluated: 2021-09-08. Review status: criteria provided, single submitter. Criteria: Invitae Variant Classification Sherloc (09022015). Collection method: clinical testing. Allele origin: germline.
Comment: In summary, the currently available evidence indicates that the variant is pathogenic, but additional data are needed to prove that conclusively. Therefore, this variant has been classified as Likely Pathogenic. Algorithms developed to predict the effect of sequence changes on RNA splicing suggest that this variant may disrupt the consensus splice site. This sequence change affects an acceptor splice site in intron 1 of the FAH gene. It is expected to disrupt RNA splicing. Variants that disrupt the donor or acceptor splice site typically lead to a loss of protein function (PMID: 16199547), and loss-of-function variants in FAH are known to be pathogenic (PMID: 9101289, 9633815). This variant is not present in population databases (ExAC no frequency). Disruption of this splice site has been observed in individual(s) with tyrosinemia type 1 (PMID: 23895425). ClinVar contains an entry for this variant (Variation ID: 551853).

Counsyl
Classification: Likely pathogenic for Tyrosinemia type I. Last evaluated: 2017-05-09. Review status: no assertion criteria provided. Collection method: clinical testing. Allele origin: unknown. Not counted in ClinVar's aggregate classification.

Literature cited by the submitters: PubMed 23895425 (cited by 3 submitters); PubMed 16199547 (cited by Labcorp Genetics (formerly Invitae), Labcorp); PubMed 9101289 (cited by Labcorp Genetics (formerly Invitae), Labcorp); PubMed 9633815 (cited by Labcorp Genetics (formerly Invitae), Labcorp).